The following is an entry in ClinVar:

NM_015178.3(RHOBTB2):c.482+5G>A

Gene: RHOBTB2 (Rho related BTB domain containing 2; plus strand). Cytogenetic location: 8p21.3.
Variant type: single nucleotide variant.
Coding change: c.482+5G>A on transcript NM_015178.3 (MANE Select); 5 bases into the intron after coding-DNA position 482, G replaced by A.
Molecular consequence: intron variant.
Genome position (GRCh38, 1-based): chr8:23,006,150, G>A. VCF-style: chr8-23006150-G-A. GRCh37 (hg19) VCF-style: chr8-22863663-G-A.
Other names: c.548+5G>A (NM_001160036.2); c.503+5G>A (NM_001160037.2); c.482+5G>A (NM_001374791.1).
Identifiers: ClinVar variation 1918911 (VCV001918911.6), dbSNP rs750005711, ClinGen allele CA4672457.

ClinVar aggregate classification (germline): Conflicting classifications of pathogenicity. Review status: criteria provided, conflicting classifications (1 of 4 stars). 2 submissions from 2 submitters: Uncertain significance (1); Likely benign (1). Last evaluated 2025-05-21.

Conditions:
Developmental and epileptic encephalopathy, 64. Also called: EPILEPTIC ENCEPHALOPATHY, EARLY INFANTILE, 64. Identifiers: MedGen C4693899, MONDO:0033373, OMIM 618004.

Allele frequency attached by ClinVar (database versions not stated): ExAC 0.00001; gnomAD 0.00001.
gnomAD v4.1: 8 of 1,609,734 alleles (0.0005%); highest among the groups gnomAD compares: Non-Finnish European, 0.00068%; no homozygotes.

Submissions (2):

Clinical Genomics Laboratory, Washington University in St. Louis
Classification: Uncertain significance for Developmental and epileptic encephalopathy, 64. Last evaluated: 2025-05-21. Review status: criteria provided, single submitter. Criteria: ACMG Guidelines, 2015. Collection method: clinical testing. Allele origin: germline.
Comment: The RHOBTB2 c.482+5G>A variant, to our knowledge, has not been reported in the medical literature, but has been reported in the ClinVar database by one submitter as a germline likely benign variant without sufficient evidence to independently evaluate the pathogenicity of the variant. This variant is only observed on 8/1,609,734 alleles in the general population (gnomAD v.4.1.0), indicating it is not a common variant. Computational predictors indicate that this variant would alter splicing, and could lead to an in-frame splicing event removing 61 amino acids in the GTPase domain (Langhammer F et al., PMID: 37165955), evidence that could correlate to an impact of this variant on RHOBTB2 function. Differential control of mRNA splicing has been hypothesized to lead to incomplete penetrance and variable expressivity (Einson J et al., PMID: 36778406). Due to limited information, and based on ACMG/AMP guidelines for variant interpretation (Richards S et al., PMID: 25741868), the clinical significance of this variant is uncertain at this time.

Labcorp Genetics (formerly Invitae), Labcorp
Classification: Likely benign. Last evaluated: 2023-08-04. Review status: criteria provided, single submitter. Criteria: Invitae Variant Classification Sherloc (09022015). Collection method: clinical testing. Allele origin: germline.